The following is an entry in ClinVar:

NM_000138.5(FBN1):c.2547C>G (p.Ile849Met)

Gene: FBN1 (fibrillin 1; minus strand). Cytogenetic location: 15q21.1.
Variant type: single nucleotide variant.
Coding change: c.2547C>G on transcript NM_000138.5 (MANE Select); coding-DNA position 2547, C replaced by G.
Protein change: p.Ile849Met; replaces isoleucine 849 with methionine.
Molecular consequence: missense variant.
Genome position (GRCh38, 1-based): chr15:48,495,253, G>C on the plus strand (C>G on the coding strand, the complement: FBN1 is on the minus strand). VCF-style: chr15-48495253-G-C. GRCh37 (hg19) VCF-style: chr15-48787450-G-C.
Other names: short protein forms I849M.
Identifiers: ClinVar variation 406321 (VCV000406321.44), dbSNP rs778258207, ClinGen allele CA048013.

ClinVar aggregate classification (germline): Conflicting classifications of pathogenicity. Review status: criteria provided, conflicting classifications (1 of 4 stars). 11 submissions from 11 submitters: Uncertain significance (6); Benign (1); Likely benign (2). 2 of the submissions do not count toward it. Last evaluated 2026-01-16.

Conditions:
Marfan syndrome (MFS). Also called: Marfan syndrome, classic; Marfan syndrome type 1; Marfan's syndrome; MARFAN SYNDROME, TYPE I; FBN1-Related Marfan Syndrome. Identifiers: Orphanet 284963, Orphanet 558, MedGen C0024796, MONDO:0007947, OMIM 154700.
Familial thoracic aortic aneurysm and aortic dissection (TAAD). Also called: Thoracic aortic aneurysms and dissections. Identifiers: Orphanet 91387, MedGen C4707243, MONDO:0019625.
FBN1-related disorder. Also called: FBN1-related disorders.

Allele frequency attached by ClinVar (database versions not stated): ExAC 0.00002; gnomAD 0.00003 and 0.00002; gnomAD exomes 0.00004 and 0.00005; TOPMed 0.00005.
gnomAD v4.1: 96 of 1,613,968 alleles (0.0059%); highest among the groups gnomAD compares: Middle Eastern, 0.083%; no homozygotes.

Submissions (11):

Labcorp Genetics (formerly Invitae), Labcorp
Classification: Benign for Marfan syndrome; Familial thoracic aortic aneurysm and aortic dissection. Last evaluated: 2026-01-16. Review status: criteria provided, single submitter. Criteria: Invitae Variant Classification Sherloc (09022015). Collection method: clinical testing. Allele origin: germline.

Ambry Genetics
Classification: Uncertain significance for Familial thoracic aortic aneurysm and aortic dissection. Last evaluated: 2024-07-26. Review status: criteria provided, single submitter. Criteria: Ambry Variant Classification Scheme 2023. Collection method: clinical testing. Allele origin: germline.
Comment: The p.I849M variant (also known as c.2547C>G), located in coding exon 21 of the FBN1 gene, results from a C to G substitution at nucleotide position 2547. The isoleucine at codon 849 is replaced by methionine, an amino acid with highly similar properties. This variant was reported in one individual from a Marfan syndrome cohort; however, an additional FBN1 variant was also detected, and clinical information was not provided (Proost D et al. Hum. Mutat., 2015 Aug;36:808-14). This amino acid position is not well conserved in available vertebrate species. In addition, this alteration is predicted to be tolerated by in silico analysis. Based on the available evidence, the clinical significance of this variant remains unclear.

Women's Health and Genetics/Laboratory Corporation of America, LabCorp
Classification: Likely benign. Last evaluated: 2024-04-30. Review status: criteria provided, single submitter. Criteria: LabCorp Variant Classification Summary - May 2015. Collection method: clinical testing. Allele origin: germline.
Comment: Variant summary: FBN1 c.2547C>G (p.Ile849Met) results in a conservative amino acid change in the encoded protein sequence. Four of five in-silico tools predict a benign effect of the variant on protein function. The variant allele was found at a frequency of 3.6e-05 in 251344 control chromosomes, predominantly at a frequency of 0.00012 within the Latino subpopulation in the gnomAD database. The available data on variant occurrences in the general population are insufficient to allow any conclusion about variant significance. c.2547C>G has been reported in the literature in an individual affected with Marfan Syndrome, however this patient also carried a likely pathogenic FBN1 variant (Proost_2015), suggesting that our variant of interest is in the benign spectrum. To our knowledge, no experimental evidence demonstrating an impact on protein function has been reported. A recent study combining ACMG criteria with FBN1 gene-specific knowledge (i.e. considering critical FBN1 regions and appropriate minor allele frequency cutoffs), classified the variant as likely benign (Baudhuin_2019).To our knowledge, no experimental evidence demonstrating an impact on protein function has been reported. The following publications have been ascertained in the context of this evaluation (PMID: 31227806, 27906200, 25907466). ClinVar contains an entry for this variant (Variation ID: 406321). Based on the evidence outlined above, the variant was classified as likely benign.

Color Diagnostics, LLC DBA Color Health
Classification: Likely benign for Familial thoracic aortic aneurysm and aortic dissection. Last evaluated: 2024-04-23. Review status: criteria provided, single submitter. Criteria: ACMG Guidelines, 2015. Collection method: clinical testing. Allele origin: germline.

All of Us Research Program, National Institutes of Health
Classification: Uncertain significance for Marfan syndrome. Last evaluated: 2023-12-01. Review status: criteria provided, single submitter. Criteria: ACMG Guidelines, 2015. Collection method: clinical testing. Allele origin: germline. Inheritance: Autosomal dominant inheritance. Observed: 18 variant alleles, 18 heterozygotes.
Comment: This missense variant replaces isoleucine with methionine at codon 849 of the FBN1 protein. Computational prediction suggests that this variant may not impact protein structure and function (internally defined REVEL score threshold <= 0.5, PMID: 27666373). To our knowledge, functional studies have not been reported for this variant. This variant has been reported in an individual affected with Marfan syndrome; this individual also carried a different likely pathogenic missense variant in the same gene (PMID: 25907466). This variant has been identified in 9/251344 chromosomes in the general population by the Genome Aggregation Database (gnomAD). The available evidence is insufficient to determine the role of this variant in disease conclusively. Therefore, this variant is classified as a Variant of Uncertain Significance.

This study involves interpretation of variants in research participants for the purpose of population health screening. Participant phenotype was not available at the time of variant classification. Additional details can be found in publication PMID: 35346344, PMCID: PMC8962531

Clinical Genomics Laboratory, Stanford Medicine
Classification: Uncertain significance for Marfan syndrome. Last evaluated: 2023-08-31. Review status: criteria provided, single submitter. Criteria: ACMG Guidelines, 2015. Collection method: clinical testing. Allele origin: germline. Observed: 1 variant allele, 1 heterozygote.
Comment: The p.Ile849Met variant in the FBN1 gene has been previously reported in 1 individual with Marfan syndrome. This individual also had a co-occurring likely pathogenic variant in FBN1 (p.Gly1838Cys) (Proost et al., 2015; Groth et al., 2017; Meester et al., 2022). This variant has been identified in 4/34590 Latino/Admixed American chromosomes (9/251344 chromosomes overall) by the Genome Aggregation Database. This allele frequency is higher than expected for a pathogenic variant. This variant is present in ClinVar (Variation ID: 406321). The FBN1 gene has fewer missense variants in the general population than expected. A low rate of missense variation may suggest that this gene is intolerant to missense variation. Computational tools predict that this variant is neither deleterious nor benign; however, the accuracy of in silico algorithms is limited. These data were assessed using the ACMG/AMP variant interpretation guidelines. In summary, the significance of the p.Ile849Met variant is uncertain. Additional information is needed to resolve the significance of this variant. [ACMG evidence codes used: BS1; PP2]

GeneDx
Classification: Uncertain significance. Last evaluated: 2023-06-29. Review status: criteria provided, single submitter. Criteria: GeneDx Variant Classification Process June 2021. Collection method: clinical testing. Allele origin: germline. Affected: yes.
Comment: Identified in a patient with bicuspid aortic valve and TAAD phenotype in published literature (Proost et al., 2015); this patient also harbored a second variant in the FBN1 gene; Does not affect a cysteine residue within a calcium-binding EGF-like domain or a TGF-binding protein domain of the FBN1 gene; cysteine substitutions in the calcium-binding EGF-like domains represent the majority of pathogenic missense changes associated with FBN1-related disorders (Collod-Beroud et al., 2003); In silico analysis supports that this missense variant does not alter protein structure/function; This variant is associated with the following publications: (PMID: 27906200, 12938084, 25907466)

Centre of Medical Genetics, University of Antwerp
Classification: Uncertain significance for Marfan syndrome. Last evaluated: 2021-03-01. Review status: criteria provided, single submitter. Criteria: Submitter's publication. Collection method: research. Allele origin: unknown. Affected: yes.
Comment: PP4

CHEO Genetics Diagnostic Laboratory, Children's Hospital of Eastern Ontario
Classification: Uncertain significance for Familial thoracic aortic aneurysm and aortic dissection. Last evaluated: 2019-09-19. Review status: criteria provided, single submitter. Criteria: ACMG Guidelines, 2015. Collection method: clinical testing. Allele origin: germline. Study: Canadian Open Genetics Repository.

PreventionGenetics, part of Exact Sciences
Classification: Uncertain significance for FBN1-related condition. Last evaluated: 2024-03-12. Review status: no assertion criteria provided. Collection method: clinical testing. Allele origin: germline. Not counted in ClinVar's aggregate classification.
Comment: The FBN1 c.2547C>G variant is predicted to result in the amino acid substitution p.Ile849Met. This variant has been reported, along with another missense variant p.Gly1838Cys in FBN1, in one individual with Marfan syndrome (Table S2, Proost et al. 2015. PubMed ID: 25907466). This variant is reported in 0.012% of alleles in individuals of Latino descent in gnomAD. At this time, the clinical significance of this variant is uncertain due to the absence of conclusive functional and genetic evidence.

Center for Medical Genetics Ghent, University of Ghent
Classification: Likely benign for Marfan syndrome. Last evaluated: 2017-11-07. Review status: no assertion criteria provided. Collection method: clinical testing. Allele origin: germline. Affected: yes. Not counted in ClinVar's aggregate classification.

Literature cited by the submitters: PubMed 25907466 (cited by 4 submitters); PubMed 27906200 (cited by Women's Health and Genetics/Laboratory Corporation of America, LabCorp and Clinical Genomics Laboratory, Stanford Medicine); PubMed 31227806 (cited by Women's Health and Genetics/Laboratory Corporation of America, LabCorp); PubMed 35058154 (cited by Clinical Genomics Laboratory, Stanford Medicine).